The following is an entry in ClinVar:

ClinVar aggregate classification (germline): Likely pathogenic (1 of 4 stars; one submission).

Conditions:
Glycine encephalopathy. Also called: Non-ketotic hyperglycinemia; Nonketotic hyperglycinemia. Identifiers: Orphanet 407, MedGen C0751748, MONDO:0011612, HP:0008288.

Allele frequency attached by ClinVar (database versions not stated): gnomAD exomes below 0.00001; gnomAD 0.00001.
gnomAD v4.1: 2 of 1,612,128 alleles (0.00012%); highest among the groups gnomAD compares: Admixed American, 0.0017%; no homozygotes.

Submission:

Labcorp Genetics (formerly Invitae), Labcorp
Classification: Likely pathogenic for Glycine encephalopathy. Last evaluated: 2021-08-26. Review status: criteria provided, single submitter. Criteria: Invitae Variant Classification Sherloc (09022015). Collection method: clinical testing. Allele origin: germline.
Comment: In summary, the currently available evidence indicates that the variant is pathogenic, but additional data are needed to prove that conclusively. Therefore, this variant has been classified as Likely Pathogenic. This variant disrupts the p.Arg988 amino acid residue in GLDC. Other variant(s) that disrupt this residue have been determined to be pathogenic (PMID: 27362913, 28416785). This suggests that this residue is clinically significant, and that variants that disrupt this residue are likely to be disease-causing. Advanced modeling of protein sequence and biophysical properties (such as structural, functional, and spatial information, amino acid conservation, physicochemical variation, residue mobility, and thermodynamic stability) performed at Invitae indicates that this missense variant is expected to disrupt GLDC protein function. This variant has not been reported in the literature in individuals affected with GLDC-related conditions. This variant is not present in population databases (ExAC no frequency). This sequence change replaces arginine with glycine at codon 988 of the GLDC protein (p.Arg988Gly). The arginine residue is highly conserved and there is a moderate physicochemical difference between arginine and glycine.

Literature cited by the submitters: PubMed 27362913; PubMed 28416785.

NM_000170.3(GLDC):c.2962C>G (p.Arg988Gly)

Gene: GLDC (glycine decarboxylase; minus strand). Cytogenetic location: 9p24.1.
Variant type: single nucleotide variant.
Coding change: c.2962C>G on transcript NM_000170.3 (MANE Select); coding-DNA position 2962, C replaced by G.
Protein change: p.Arg988Gly; replaces arginine 988 with glycine.
Molecular consequence: missense variant.
Genome position (GRCh38, 1-based): chr9:6,533,118, G>C on the plus strand (C>G on the coding strand, the complement: GLDC is on the minus strand). VCF-style: chr9-6533118-G-C. GRCh37 (hg19) VCF-style: chr9-6533118-G-C.
Other names: short protein forms R988G.
Identifiers: ClinVar variation 1345988 (VCV001345988.6), dbSNP rs1288008254, ClinGen allele CA372881699.
Genomic context (GRCh38, chr9:6,533,118, plus strand): 5'-AAACTTCCATGGGTGGGCAGGTACAAACCAGGTGCTGATCTCCATATATGTCATCAATCC[G>C]GGCAATCGTTGGCCAGAATTTGTTCTCTGGTTTCACGAAGGGCTGCAAAGGACAAAAGAT-3'
Protein context (NP_000161.2, residues 978-998): PENKFWPTIA[Arg988Gly]IDDIYGDQHL